The following is an entry in ClinVar:

ClinVar aggregate classification (germline): Uncertain significance (1 of 4 stars; one submission).

Conditions:
Cardiovascular phenotype. Identifiers: MedGen CN230736.

Submission:

Ambry Genetics
Classification: Uncertain significance for Cardiovascular phenotype. Last evaluated: 2024-10-27. Review status: criteria provided, single submitter. Criteria: Ambry Variant Classification Scheme 2023. Collection method: clinical testing. Allele origin: germline.
Comment: The p.Q2113H variant (also known as c.6339G>C), located in coding exon 27 of the AKAP9 gene, results from a G to C substitution at nucleotide position 6339. The glutamine at codon 2113 is replaced by histidine, an amino acid with highly similar properties. This amino acid position is conserved. In addition, this alteration is predicted to be tolerated by in silico analysis. Based on the available evidence, the clinical significance of this variant remains unclear.

NM_005751.5(AKAP9):c.6339G>C (p.Gln2113His)

Gene: AKAP9 (A-kinase anchoring protein 9; plus strand). Cytogenetic location: 7q21.2.
Variant type: single nucleotide variant.
Coding change: c.6339G>C on transcript NM_005751.5 (MANE Select); coding-DNA position 6339, G replaced by C.
Protein change: p.Gln2113His; replaces glutamine 2113 with histidine.
Molecular consequence: missense variant.
Genome position (GRCh38, 1-based): chr7:92,070,038, G>C. VCF-style: chr7-92070038-G-C. GRCh37 (hg19) VCF-style: chr7-91699352-G-C.
Other names: c.984G>C, p.Gln328His (NM_001379277.1); c.6339G>C, p.Gln2113His (NM_147185.3); short protein forms Q2113H, Q328H.
Identifiers: ClinVar variation 3517059 (VCV003517059.1).
Genomic context (GRCh38, chr7:92,070,038, plus strand): 5'-CTAGCTTGCTGAAATTTTTTTTAAATTAAATTTTTTGCCTCTTATATTTCAGGTTGAACA[G>C]TTAGCAAATCATCTGAAAGAAAAAACAGACAAATGCAGTGAGCTTTTGCTCTCTAAAGAG-3'
Protein context (NP_005742.4, residues 2103-2123): ISEHQTREVE[Gln2113His]LANHLKEKTD